The following is an entry in ClinVar:

ClinVar aggregate classification (germline): Conflicting classifications of pathogenicity. Review status: criteria provided, conflicting classifications (1 of 4 stars). 4 submissions from 4 submitters: Uncertain significance (1); Likely benign (2). 1 of the submissions does not count toward it. Last evaluated 2026-01-26.

Conditions:
Inborn genetic diseases. Identifiers: MedGen C0950123, MeSH D030342.
PRPF31-related disorder. Also called: PRPF31-related condition.

Allele frequency attached by ClinVar (database versions not stated): gnomAD 0.00003; TOPMed 0.00006; ExAC 0.00012; gnomAD exomes 0.00014.
gnomAD v4.1: 39 of 1,613,952 alleles (0.0024%); highest among the groups gnomAD compares: Admixed American, 0.065%; no homozygotes.

Submissions (4):

Labcorp Genetics (formerly Invitae), Labcorp
Classification: Likely benign. Last evaluated: 2026-01-26. Review status: criteria provided, single submitter. Criteria: Invitae Variant Classification Sherloc (09022015). Collection method: clinical testing. Allele origin: germline.

Blueprint Genetics
Classification: Likely benign. Last evaluated: 2022-05-06. Review status: criteria provided, single submitter. Criteria: ACMG Guidelines, 2015. Collection method: clinical testing. Allele origin: germline.

Ambry Genetics
Classification: Uncertain significance for Inborn genetic diseases. Last evaluated: 2021-10-26. Review status: criteria provided, single submitter. Criteria: Ambry Variant Classification Scheme 2023. Collection method: clinical testing. Allele origin: germline.

PreventionGenetics, part of Exact Sciences
Classification: Likely benign for PRPF31-related condition. Last evaluated: 2024-04-17. Review status: no assertion criteria provided. Collection method: clinical testing. Allele origin: germline. Not counted in ClinVar's aggregate classification.
Comment: This variant is classified as likely benign based on ACMG/AMP sequence variant interpretation guidelines (Richards et al. 2015 PMID: 25741868, with internal and published modifications).

NM_015629.4(PRPF31):c.655C>A (p.Leu219Met)

Gene: PRPF31 (pre-mRNA processing factor 31; plus strand). Cytogenetic location: 19q13.42.
Variant type: single nucleotide variant.
Coding change: c.655C>A on transcript NM_015629.4 (MANE Select); coding-DNA position 655, C replaced by A.
Protein change: p.Leu219Met; replaces leucine 219 with methionine.
Molecular consequence: missense variant.
Genome position (GRCh38, 1-based): chr19:54,123,876, C>A. VCF-style: chr19-54123876-C-A. GRCh37 (hg19) VCF-style: chr19-54627255-C-A.
Other names: c.655C>A (NM_015629.3); short protein forms L219M.
Identifiers: ClinVar variation 1631501 (VCV001631501.11), dbSNP rs763882898, ClinGen allele CA309325283.